The following is an entry in ClinVar:

NM_201253.3(CRB1):c.2199T>A (p.Tyr733Ter)

Gene: CRB1 (crumbs cell polarity complex component 1; plus strand). Cytogenetic location: 1q31.3.
Variant type: single nucleotide variant.
Coding change: c.2199T>A on transcript NM_201253.3 (MANE Select); coding-DNA position 2199, T replaced by A.
Protein change: p.Tyr733Ter; replaces tyrosine 733 with a stop codon.
Molecular consequence: nonsense. On other transcripts: non-coding transcript variant (2), intron variant (1).
Genome position (GRCh38, 1-based): chr1:197,427,524, T>A. VCF-style: chr1-197427524-T-A. GRCh37 (hg19) VCF-style: chr1-197396654-T-A.
Other names: c.1863T>A, p.Tyr621Ter (NM_001193640.2); c.1992T>A, p.Tyr664Ter (NM_001257965.2); c.2128+5568T>A (NM_001257966.2); short protein forms Y621*, Y664*, Y733*.
Identifiers: ClinVar variation 4065514 (VCV004065514.2).

ClinVar aggregate classification (germline): Likely pathogenic (1 of 4 stars; one submission).

Conditions:
Leber congenital amaurosis (LCA). Also called: Leber's amaurosis. Identifiers: Orphanet 65, MedGen C0339527, MeSH D057130, MONDO:0018998.

gnomAD v4.1: 1 of 1,613,986 alleles (0.000062%); highest among the groups gnomAD compares: Non-Finnish European, 0.000085%; no homozygotes.

Submission:

Natera, Inc.
Classification: Likely pathogenic for Leber congenital amaurosis. Last evaluated: 2025-02-20. Review status: criteria provided, single submitter. Criteria: Natera Variant Classification Schema (03/2026). Collection method: clinical testing. Allele origin: germline.
Comment: The c.2199T>A variant in CRB1 is a nonsense variant predicted to introduce a stop codon at amino acid 733. This variant is expected to result in nonsense mediated decay, truncation, or a dysfunctional protein product. This variant is rare in the general population with a frequency below the threshold expected for the associated phenotype(s). Given the available evidence, this variant is classified as Likely Pathogenic.